The following is an entry in ClinVar:

NM_001122764.3(PPOX):c.1257T>C (p.Ile419=)

Gene: PPOX (protoporphyrinogen oxidase; plus strand). Cytogenetic location: 1q23.3.
Variant type: single nucleotide variant.
Coding change: c.1257T>C on transcript NM_001122764.3 (MANE Select); coding-DNA position 1257, T replaced by C.
Protein change: p.Ile419=; no amino-acid change (isoleucine 419 retained).
Molecular consequence: synonymous variant.
Genome position (GRCh38, 1-based): chr1:161,170,915, T>C. VCF-style: chr1-161170915-T-C. GRCh37 (hg19) VCF-style: chr1-161140705-T-C.
Other names: p.Ile419=; c.771T>C, p.Ile257= (NM_001350131.2, NM_001365401.1, NM_001350130.2); c.1257T>C, p.Ile419= (NM_001365398.1, NM_000309.5); c.1146T>C, p.Ile382= (NM_001365399.1); c.849T>C, p.Ile283= (NM_001365400.1, NM_001350129.2); c.1158T>C, p.Ile386= (NM_001350128.2).
Identifiers: ClinVar variation 4683741 (VCV004683741.1).

ClinVar aggregate classification (germline): Likely benign (1 of 4 stars; one submission).

Submission:

Mayo Clinic Laboratories, Mayo Clinic
Classification: Likely benign. Last evaluated: 2025-09-04. Review status: criteria provided, single submitter. Criteria: ACMG Guidelines, 2015. Collection method: clinical testing. Allele origin: germline. Observed: 1 variant allele.
Comment: BP4, BP7